The following is an entry in ClinVar:

NM_025114.4(CEP290):c.3408A>G (p.Gln1136=)

Gene: CEP290 (centrosomal protein 290; minus strand). Cytogenetic location: 12q21.32.
Variant type: single nucleotide variant.
Coding change: c.3408A>G on transcript NM_025114.4 (MANE Select); coding-DNA position 3408, A replaced by G.
Protein change: p.Gln1136=; no amino-acid change (glutamine 1136 retained).
Molecular consequence: synonymous variant.
Genome position (GRCh38, 1-based): chr12:88,092,734, T>C on the plus strand (A>G on the coding strand, the complement: CEP290 is on the minus strand). VCF-style: chr12-88092734-T-C. GRCh37 (hg19) VCF-style: chr12-88486511-T-C.
Identifiers: ClinVar variation 210694 (VCV000210694.19), dbSNP rs11836796, ClinGen allele CA206711.

ClinVar aggregate classification (germline): Conflicting classifications of pathogenicity. Review status: criteria provided, conflicting classifications (1 of 4 stars). 5 submissions from 5 submitters: Uncertain significance (1); Likely benign (3). 1 of the submissions does not count toward it. Last evaluated 2026-01-02.

Conditions:
CEP290-related disorder. Also called: CEP290-related disorders; CEP290-related condition. Identifiers: MedGen CN239314.
Meckel-Gruber syndrome. Also called: DYSENCEPHALIA SPLANCHNOCYSTICA; Dysencephalia splachnocystica; GRUBER SYNDROME. Identifiers: Orphanet 564, MedGen C0265215, MONDO:0018921.
Joubert syndrome. Also called: Familial aplasia of the vermis; JOUBERT-BOLTSHAUSER SYNDROME. Identifiers: Orphanet 475, MedGen C5979921, MONDO:0018772.
Nephronophthisis. Also called: Juvenile Nephronophthisis. Identifiers: Orphanet 655, MedGen C0687120, MONDO:0019005, HP:0000090.

Allele frequency attached by ClinVar (database versions not stated): gnomAD exomes 0.00001 and 0.00004; ExAC 0.00006; ESP Exome Variant Server 0.00016; gnomAD 0.00019 and 0.00021; TOPMed 0.00019.
gnomAD v4.1: 47 of 1,610,570 alleles (0.0029%); highest among the groups gnomAD compares: African/African-American, 0.055%; no homozygotes.

Submissions (5):

Labcorp Genetics (formerly Invitae), Labcorp
Classification: Likely benign for Joubert syndrome; Meckel-Gruber syndrome; Nephronophthisis. Last evaluated: 2026-01-02. Review status: criteria provided, single submitter. Criteria: Invitae Variant Classification Sherloc (09022015). Collection method: clinical testing. Allele origin: germline.

Blueprint Genetics
Classification: Likely benign. Last evaluated: 2024-09-04. Review status: criteria provided, single submitter. Criteria: ACMG Guidelines, 2015. Collection method: clinical testing. Allele origin: germline.

GeneDx
Classification: Likely benign. Last evaluated: 2017-05-08. Review status: criteria provided, single submitter. Criteria: GeneDx Variant Classification (06012015). Collection method: clinical testing. Allele origin: germline. Affected: yes.
Comment: This variant is considered likely benign or benign based on one or more of the following criteria: it is a conservative change, it occurs at a poorly conserved position in the protein, it is predicted to be benign by multiple in silico algorithms, and/or has population frequency not consistent with disease.

Genetic Services Laboratory, University of Chicago
Classification: Uncertain significance. Last evaluated: 2015-04-14. Review status: criteria provided, single submitter. Criteria: ACMG Guidelines, 2015. Collection method: clinical testing. Allele origin: germline.

PreventionGenetics, part of Exact Sciences
Classification: Likely benign for CEP290-related condition. Last evaluated: 2022-01-06. Review status: no assertion criteria provided. Collection method: clinical testing. Allele origin: germline. Not counted in ClinVar's aggregate classification.
Comment: This variant is classified as likely benign based on ACMG/AMP sequence variant interpretation guidelines (Richards et al. 2015 PMID: 25741868, with internal and published modifications).